The following is an entry in ClinVar:

NM_000138.5(FBN1):c.3413G>C (p.Cys1138Ser)

Gene: FBN1 (fibrillin 1; minus strand). Cytogenetic location: 15q21.1.
Variant type: single nucleotide variant.
Coding change: c.3413G>C on transcript NM_000138.5 (MANE Select); coding-DNA position 3413, G replaced by C.
Protein change: p.Cys1138Ser; replaces cysteine 1138 with serine.
Molecular consequence: missense variant.
Genome position (GRCh38, 1-based): chr15:48,487,362, C>G on the plus strand (G>C on the coding strand, the complement: FBN1 is on the minus strand). VCF-style: chr15-48487362-C-G. GRCh37 (hg19) VCF-style: chr15-48779559-C-G.
Other names: short protein forms C1138S.
Identifiers: ClinVar variation 495590 (VCV000495590.25), dbSNP rs397515791, ClinGen allele CA392326397.

ClinVar aggregate classification (germline): Pathogenic/Likely pathogenic. Review status: criteria provided, multiple submitters, no conflicts (2 of 4 stars). 4 submissions from 4 submitters: Pathogenic (2); Likely pathogenic (2). Last evaluated 2022-07-04.

Conditions:
Weill-Marchesani syndrome 2, dominant. Also called: FBN1-Related Weill-Marchesani Syndrome; Weill-Marchesani Syndrome, Autosomal Dominant. Identifiers: Orphanet 2084, MedGen C1869115, MONDO:0012013, OMIM 608328.
Ectopia lentis 1, isolated, autosomal dominant (ECTOL1). Identifiers: Orphanet 1885, MedGen C3541518, MONDO:0007514, OMIM 129600.
Marfan syndrome (MFS). Also called: MARFAN SYNDROME, TYPE I; FBN1-Related Marfan Syndrome; Marfan syndrome type 1; Marfan's syndrome; Marfan syndrome, classic. Identifiers: Orphanet 284963, Orphanet 558, MedGen C0024796, MONDO:0007947, OMIM 154700.
Stiff skin syndrome (SSKS). Identifiers: Orphanet 2833, MedGen C1861456, MONDO:0008492, OMIM 184900.
Acromicric dysplasia (ACMICD). Also called: Acromicric skeletal dysplasia. Identifiers: Orphanet 969, MedGen C0265287, MONDO:0007055, OMIM 102370.
Progeroid and marfanoid aspect-lipodystrophy syndrome. Also called: MARFANOID-PROGEROID SYNDROME; MARFAN-PROGEROID-LIPODYSTROPHY SYNDROME; Marfan lipodystrophy syndrome; MARFANOID-PROGEROID-LIPODYSTROPHY SYNDROME. Identifiers: Orphanet 300382, MedGen C4310796, MONDO:0014831, OMIM 616914.
MASS syndrome (OCTD). Also called: MASS PHENOTYPE; OVERLAP CONNECTIVE TISSUE DISEASE. Identifiers: MedGen C1858556, MONDO:0011431, OMIM 604308.
Geleophysic dysplasia 2 (GPHYSD2). Identifiers: Orphanet 2623, MedGen C3280054, MONDO:0013612, OMIM 614185.
Marfan Syndrome/Loeys-Dietz Syndrome/Familial Thoracic Aortic Aneurysms and Dissections. Identifiers: MedGen CN229799.
Familial thoracic aortic aneurysm and aortic dissection (TAAD). Also called: Thoracic aortic aneurysms and dissections. Identifiers: Orphanet 91387, MedGen C4707243, MONDO:0019625.

Submissions (4):

Labcorp Genetics (formerly Invitae), Labcorp
Classification: Pathogenic for Marfan syndrome; Familial thoracic aortic aneurysm and aortic dissection. Last evaluated: 2022-07-04. Review status: criteria provided, single submitter. Criteria: Invitae Variant Classification Sherloc (09022015). Collection method: clinical testing. Allele origin: germline.
Comment: For these reasons, this variant has been classified as Pathogenic. This variant affects a cysteine residue in the EGF-like, TGFBP or hybrid motif domains of FBN1. Cysteine residues are believed to be involved in intramolecular disulfide bridges and have been shown to be important for FBN1 protein structure (PMID: 16905551, 19349279). In addition, missense substitutions affecting cysteine residues within these domains are significantly overrepresented among patients with Marfan syndrome (PMID: 16571647, 17701892). Advanced modeling of protein sequence and biophysical properties (such as structural, functional, and spatial information, amino acid conservation, physicochemical variation, residue mobility, and thermodynamic stability) performed at Invitae indicates that this missense variant is expected to disrupt FBN1 protein function. ClinVar contains an entry for this variant (Variation ID: 495590). This missense change has been observed in individual(s) with Marfan syndrome (PMID: 19293843). In at least one individual the variant was observed to be de novo. This variant is not present in population databases (gnomAD no frequency). This sequence change replaces cysteine, which is neutral and slightly polar, with serine, which is neutral and polar, at codon 1138 of the FBN1 protein (p.Cys1138Ser).

Centre of Medical Genetics, University of Antwerp
Classification: Pathogenic for Marfan syndrome. Last evaluated: 2021-03-01. Review status: criteria provided, single submitter. Criteria: Submitter's publication. Collection method: research. Allele origin: unknown. Affected: yes.
Comment: PM2, PVS2, PP4

Women's Health and Genetics/Laboratory Corporation of America, LabCorp
Classification: Likely pathogenic for Marfan Syndrome/Loeys-Dietz Syndrome/Familial Thoracic Aortic Aneurysms and Dissections. Last evaluated: 2017-07-26. Review status: criteria provided, single submitter. Criteria: LabCorp Variant Classification Summary - May 2015. Collection method: clinical testing. Allele origin: germline.
Comment: Variant summary: The FBN1 c.3413G>C (p.Cys1138Ser) variant involves the alteration of a conserved nucleotide which lies within a conserved region in EGF-like #13. "The sulfhydryl group of cysteine is unique in its ability to participate in disulfide covalent cross-linkage. In fact, two thirds of fibrillin cysteine residues exist in the half-cystinyl form, suggesting their participation in intramolecular disulfide linkage. The cysteine residues in the EGF-like motif may also be necessary for intermolecular interactions with other fibrillin molecules or with other proteins (Dietz_1992)." Therefore, alteration of cysteine in this domain could disrupt disulfide binding, effecting secondary or tertiary structure or possibly impairing fibrillin interactions. In support of a deleterious effect of this variant, 4/4 in silico analyses predict a damaging outcome, absent from 121410 control chromosomes (ExAC), reported de novo occurrence in a classic MFS patient via publication, and additional variants affecting the same amino acid, c.3413G>T (p.Cys1138Phe) and c.3412T>C (p.Cys1138Arg) reported by ClinVar as likely pathogenic indicating a mutational hotspot. Taken together, this variant is has been classified as a "likely pathogenic."

Center for Genomics, Ann and Robert H. Lurie Children's Hospital of Chicago
Classification: Likely pathogenic for Geleophysic dysplasia 2; Weill-Marchesani syndrome 2, dominant; Ectopia lentis 1, isolated, autosomal dominant; MASS syndrome; Progeroid and marfanoid aspect-lipodystrophy syndrome; Acromicric dysplasia; Marfan syndrome; Stiff skin syndrome. Review status: criteria provided, single submitter. Criteria: ACMG Guidelines, 2015. Collection method: clinical testing. Allele origin: germline.
Comment: FBN1 NM_000138.4 exon 27 p.Cys1138Ser (c.3413G>C): This variant has been reported in the literature as de novo in one individual with classic Marfan syndrome (Stheneur 2009 PMID:19293843). This variant is not present in large control databases but is present in ClinVar (Variation ID:495590). Evolutionary conservation and computational predictive tools suggest that this variant may impact the protein. Of note, this variant is predicted to affect a cysteine residue. Cysteine in the FBN1 gene is reported to have important functional relevance; variants that involve a cysteine residue are reported to be particularly significant (Dietz 1992 PMID:1301946). In addition, several other variants (p.Cys1138Arg, p.Cys1138Gly, p.Cys1138Phe) at this position have been reported in individuals with Marfan syndrome, supporting the potential functional relevance of this codon. In summary, data on this variant is highly suspicious for disease, but requires further evidence for pathogenicity. Therefore, this variant classified as likely pathogenic.

Literature cited by the submitters: PubMed 16905551 (cited by Labcorp Genetics (formerly Invitae), Labcorp); PubMed 19349279 (cited by Labcorp Genetics (formerly Invitae), Labcorp); PubMed 16571647 (cited by Labcorp Genetics (formerly Invitae), Labcorp); PubMed 17701892 (cited by Labcorp Genetics (formerly Invitae), Labcorp); PubMed 19293843 (cited by Labcorp Genetics (formerly Invitae), Labcorp and Women's Health and Genetics/Laboratory Corporation of America, LabCorp).